The following is an entry in ClinVar:

ClinVar aggregate classification (germline): Likely benign. Review status: criteria provided, multiple submitters, no conflicts (2 of 4 stars). 2 submissions from 2 submitters: Likely benign (2). Last evaluated 2025-12-05.

Conditions:
Angelman syndrome (AS). Also called: HAPPY PUPPET SYNDROME. Identifiers: Orphanet 72, MedGen C0162635, MONDO:0007113, OMIM 105830. Disease mechanism: loss of function. Inheritance: imprinting disorder, AS is caused by disruption of maternally imprinted UBE3A located within the 15q11.2-q13 Angelman syndrome/Prader-Willi syndrome (AS/PWS) region..

Allele frequency attached by ClinVar (database versions not stated): gnomAD exomes 0.00002 and 0.00004; TOPMed 0.00002; ExAC 0.00003.
gnomAD v4.1: 25 of 1,613,750 alleles (0.0015%); highest among the groups gnomAD compares: East Asian, 0.022%; no homozygotes.

Submissions (2):

Labcorp Genetics (formerly Invitae), Labcorp
Classification: Likely benign for Angelman syndrome. Last evaluated: 2025-12-05. Review status: criteria provided, single submitter. Criteria: Invitae Variant Classification Sherloc (09022015). Collection method: clinical testing. Allele origin: germline.

GeneDx
Classification: Likely benign. Last evaluated: 2016-10-21. Review status: criteria provided, single submitter. Criteria: GeneDx Variant Classification (06012015). Collection method: clinical testing. Allele origin: germline. Affected: yes.
Comment: This variant is considered likely benign or benign based on one or more of the following criteria: it is a conservative change, it occurs at a poorly conserved position in the protein, it is predicted to be benign by multiple in silico algorithms, and/or has population frequency not consistent with disease.

NM_130839.5(UBE3A):c.1824G>A (p.Gln608=)

Genes: SNHG14 (small nucleolar RNA host gene 14; plus strand), UBE3A (ubiquitin protein ligase E3A; minus strand). Cytogenetic location: 15q11.2.
Variant type: single nucleotide variant.
Coding change: c.1824G>A on transcript NM_130839.5 (MANE Select); coding-DNA position 1824, G replaced by A.
Protein change: p.Gln608=; no amino-acid change (glutamine 608 retained).
Molecular consequence: synonymous variant. On other transcripts: non-coding transcript variant (1).
Genome position (GRCh38, 1-based): chr15:25,356,826, C>T on the plus strand (G>A on the coding strand, the complement: UBE3A is on the minus strand). VCF-style: chr15-25356826-C-T. GRCh37 (hg19) VCF-style: chr15-25601973-C-T.
Other names: c.1833G>A, p.Gln611= (NM_000462.5); c.1824G>A, p.Gln608= (NM_001354505.1, NM_001354538.2, NM_001354545.2); c.1764G>A, p.Gln588= (NM_001354506.2, NM_001354507.2, NM_001354508.2 and 17 more transcripts); c.1647G>A, p.Gln549= (NM_001354546.2); c.573G>A, p.Gln191= (NM_001354550.2); c.513G>A, p.Gln171= (NM_001354551.2).
Identifiers: ClinVar variation 390013 (VCV000390013.5), dbSNP rs760397761, ClinGen allele CA7435479.